The following is an entry in ClinVar:

ClinVar aggregate classification (germline): Uncertain significance (1 of 4 stars; one submission).

Conditions:
Inborn genetic diseases. Identifiers: MedGen C0950123, MeSH D030342.

gnomAD v4.1: 2 of 1,613,668 alleles (0.00012%); highest among the groups gnomAD compares: Non-Finnish European, 0.00017%; no homozygotes.

Submission:

Ambry Genetics
Classification: Uncertain significance for Inborn genetic diseases. Last evaluated: 2025-09-07. Review status: criteria provided, single submitter. Criteria: Ambry Variant Classification Scheme 2023. Collection method: clinical testing. Allele origin: germline.
Comment: The p.Y1118S variant (also known as c.3353A>C), located in coding exon 15 of the MECOM gene, results from an A to C substitution at nucleotide position 3353. The tyrosine at codon 1118 is replaced by serine, an amino acid with dissimilar properties. This amino acid position is conserved. In addition, this alteration is predicted to be tolerated by in silico analysis. Based on the available evidence, the clinical significance of this variant remains unclear.

NM_004991.4(MECOM):c.3353A>C (p.Tyr1118Ser)

Gene: MECOM (MDS1 and EVI1 complex locus; minus strand). Cytogenetic location: 3q26.2.
Variant type: single nucleotide variant.
Coding change: c.3353A>C on transcript NM_004991.4 (MANE Select); coding-DNA position 3353, A replaced by C.
Protein change: p.Tyr1118Ser; replaces tyrosine 1118 with serine.
Molecular consequence: missense variant.
Genome position (GRCh38, 1-based): chr3:169,090,048, T>G on the plus strand (A>C on the coding strand, the complement: MECOM is on the minus strand). VCF-style: chr3-169090048-T-G. GRCh37 (hg19) VCF-style: chr3-168807836-T-G.
Other names: c.2984A>C, p.Tyr995Ser (NM_001105077.4); c.2789A>C, p.Tyr930Ser (NM_001105078.4, NM_001205194.2, NM_001366469.2 and 1 more transcripts); c.2765A>C, p.Tyr922Ser (NM_001163999.2, NM_001366470.2); c.2762A>C, p.Tyr921Ser (NM_001164000.2, NM_001366471.2, NM_001366472.2); c.3326A>C, p.Tyr1109Ser (NM_001366466.2); c.2792A>C, p.Tyr931Ser (NM_001366467.2, NM_001366468.2); c.2354A>C, p.Tyr785Ser (NM_001366473.2); c.1790A>C, p.Tyr597Ser (NM_001366474.2); short protein forms Y921S, Y1109S, Y785S, Y1118S, Y597S, Y922S, Y930S, Y931S.
Identifiers: ClinVar variation 4105914 (VCV004105914.1).
Genomic context (GRCh38, chr3:169,090,048, plus strand): 5'-CAAGGTACTCACCTCACTGGGGATGTCTTGCAACTCATCTCCAGGGCACTGGTTTCTTCA[T>G]AGTCATCCTCAGGGTTTCCTTCATGTAAATTACTTGTCACTGGTTCCTTTCCTGTTTTTC-3'
Protein context (NP_004982.2, residues 1108-1128): NLHEGNPEDD[Tyr1118Ser]EETSALEMSC